The following is an entry in ClinVar:

ClinVar aggregate classification (germline): Uncertain significance (1 of 4 stars; one submission).

Submission:

Labcorp Genetics (formerly Invitae), Labcorp
Classification: Uncertain significance. Last evaluated: 2023-12-10. Review status: criteria provided, single submitter. Criteria: Invitae Variant Classification Sherloc (09022015). Collection method: clinical testing. Allele origin: germline.
Comment: This sequence change replaces asparagine, which is neutral and polar, with aspartic acid, which is acidic and polar, at codon 329 of the RPS6KC1 protein (p.Asn329Asp). This variant is not present in population databases (gnomAD no frequency). This variant has not been reported in the literature in individuals affected with RPS6KC1-related conditions. An algorithm developed to predict the effect of missense changes on protein structure and function (PolyPhen-2) suggests that this variant is likely to be tolerated. In summary, the available evidence is currently insufficient to determine the role of this variant in disease. Therefore, it has been classified as a Variant of Uncertain Significance.

NM_012424.6(RPS6KC1):c.985A>G (p.Asn329Asp)

Gene: RPS6KC1 (ribosomal protein S6 kinase C1; plus strand). Cytogenetic location: 1q32.3.
Variant type: single nucleotide variant.
Coding change: c.985A>G on transcript NM_012424.6 (MANE Select); coding-DNA position 985, A replaced by G.
Protein change: p.Asn329Asp; replaces asparagine 329 with aspartic acid.
Molecular consequence: missense variant. On other transcripts: 5 prime UTR variant (12), non-coding transcript variant (4), intron variant (7).
Genome position (GRCh38, 1-based): chr1:213,176,433, A>G. VCF-style: chr1-213176433-A-G. GRCh37 (hg19) VCF-style: chr1-213349776-A-G.
Other names: c.442A>G, p.Asn148Asp (NM_001349650.2, NM_001349651.2, NM_001349652.2 and 4 more transcripts); c.94A>G, p.Asn32Asp (NM_001349657.2, NM_001349658.2); c.-303A>G (NM_001349659.2); c.-223A>G (NM_001349660.2, NM_001349661.2, NM_001349662.2); c.-230A>G (NM_001349665.2, NM_001287220.3, NM_001349666.2 and 5 more transcripts); c.949A>G, p.Asn317Asp (NM_001136138.4); c.622A>G, p.Asn208Asp (NM_001349647.2); c.408+8460A>G (NM_001349654.2, NM_001287219.3, NM_001287218.3); and 2 more; short protein forms N208D, N329D, N32D, N148D, N317D.
Identifiers: ClinVar variation 2779350 (VCV002779350.3), dbSNP rs2546945042, ClinGen allele CA344888294.